The following is an entry in ClinVar:

NM_006231.4(POLE):c.138G>C (p.Leu46Phe)

Gene: POLE (DNA polymerase epsilon, catalytic subunit; minus strand). Cytogenetic location: 12q24.33.
Variant type: single nucleotide variant.
Coding change: c.138G>C on transcript NM_006231.4 (MANE Select); coding-DNA position 138, G replaced by C.
Protein change: p.Leu46Phe; replaces leucine 46 with phenylalanine.
Molecular consequence: missense variant.
Genome position (GRCh38, 1-based): chr12:132,681,204, C>G on the plus strand (G>C on the coding strand, the complement: POLE is on the minus strand). VCF-style: chr12-132681204-C-G. GRCh37 (hg19) VCF-style: chr12-133257790-C-G.
Other names: short protein forms L46F.
Identifiers: ClinVar variation 801257 (VCV000801257.13), dbSNP rs200611521, ClinGen allele CA6894434.

ClinVar aggregate classification (germline): Conflicting classifications of pathogenicity. Review status: criteria provided, conflicting classifications (1 of 4 stars). 4 submissions from 4 submitters: Uncertain significance (3); Likely benign (1). Last evaluated 2026-02-03.

Conditions:
Hereditary cancer-predisposing syndrome. Also called: Tumor predisposition; Neoplastic Syndromes, Hereditary; Hereditary Cancer Syndrome; Hereditary neoplastic syndrome. Identifiers: Orphanet 140162, MedGen C0027672, MeSH D009386, MONDO:0015356.

Allele frequency attached by ClinVar (database versions not stated): gnomAD exomes below 0.00001; TOPMed below 0.00001; ExAC 0.00001.
gnomAD v4.1: 2 of 1,614,196 alleles (0.00012%); highest among the groups gnomAD compares: Non-Finnish European, 0.00017%; no homozygotes.

Submissions (4):

Labcorp Genetics (formerly Invitae), Labcorp
Classification: Uncertain significance. Last evaluated: 2026-02-03. Review status: criteria provided, single submitter. Criteria: Invitae Variant Classification Sherloc (09022015). Collection method: clinical testing. Allele origin: germline.
Comment: This sequence change replaces leucine, which is neutral and non-polar, with phenylalanine, which is neutral and non-polar, at codon 46 of the POLE protein (p.Leu46Phe). This variant is present in population databases (rs200611521, gnomAD 0.0009%). This variant has not been reported in the literature in individuals affected with POLE-related conditions. ClinVar contains an entry for this variant (Variation ID: 801257). Invitae Evidence Modeling of protein sequence and biophysical properties (such as structural, functional, and spatial information, amino acid conservation, physicochemical variation, residue mobility, and thermodynamic stability) indicates that this missense variant is not expected to disrupt POLE protein function with a negative predictive value of 80%. In summary, the available evidence is currently insufficient to determine the role of this variant in disease. Therefore, it has been classified as a Variant of Uncertain Significance.

Ambry Genetics
Classification: Likely benign for Hereditary cancer-predisposing syndrome. Last evaluated: 2024-12-29. Review status: criteria provided, single submitter. Criteria: Ambry Variant Classification Scheme 2023. Collection method: clinical testing. Allele origin: germline.

GeneDx
Classification: Uncertain significance. Last evaluated: 2024-04-05. Review status: criteria provided, single submitter. Criteria: GeneDx Variant Classification Process June 2021. Collection method: clinical testing. Allele origin: germline. Affected: yes.
Comment: Not observed at significant frequency in large population cohorts (gnomAD); In silico analysis indicates that this missense variant does not alter protein structure/function; Has not been previously published as pathogenic or benign to our knowledge

Quest Diagnostics Nichols Institute San Juan Capistrano
Classification: Uncertain significance. Last evaluated: 2019-06-07. Review status: criteria provided, single submitter. Criteria: Quest Diagnostics criteria. Collection method: clinical testing. Allele origin: germline.